The following is an entry in ClinVar:

NM_020338.4(ZMIZ1):c.440C>T (p.Pro147Leu)

Gene: ZMIZ1 (zinc finger MIZ-type containing 1; plus strand). Cytogenetic location: 10q22.3.
Variant type: single nucleotide variant.
Coding change: c.440C>T on transcript NM_020338.4 (MANE Select); coding-DNA position 440, C replaced by T.
Protein change: p.Pro147Leu; replaces proline 147 with leucine.
Molecular consequence: missense variant.
Genome position (GRCh38, 1-based): chr10:79,289,789, C>T. VCF-style: chr10-79289789-C-T. GRCh37 (hg19) VCF-style: chr10-81049546-C-T.
Other names: short protein forms P147L.
Identifiers: ClinVar variation 992771 (VCV000992771.7), dbSNP rs1853346060, ClinGen allele CA377330489.
Genomic context (GRCh38, chr10:79,289,789, plus strand): 5'-CTGTGCCTGCCAGGCCCTGAAGATCTCCCTCTGTCTCCCTCTGCAGTGATGGGTCGTTCC[C>T]CTATGACTCTGTCCCTTGGCAGCAGAACACCAACCAGCCTCCCGGCTCCCTTTCCGTGGT-3'
Protein context (NP_065071.1, residues 137-157): PTLSHSDGSF[Pro147Leu]YDSVPWQQNT

ClinVar aggregate classification (germline): Uncertain significance. Review status: criteria provided, multiple submitters, no conflicts (2 of 4 stars). 2 submissions from 2 submitters: Uncertain significance (2). Last evaluated 2022-09-23.

Conditions:
Neurodevelopmental disorder with dysmorphic facies and distal skeletal anomalies. Identifiers: MedGen C5231448, MONDO:0032855, OMIM 618659.

Allele frequency attached by ClinVar (database versions not stated): TOPMed below 0.00001.

Submissions (2):

Labcorp Genetics (formerly Invitae), Labcorp
Classification: Uncertain significance. Last evaluated: 2022-09-23. Review status: criteria provided, single submitter. Criteria: Invitae Variant Classification Sherloc (09022015). Collection method: clinical testing. Allele origin: germline.
Comment: This variant is not present in population databases (gnomAD no frequency). This sequence change replaces proline, which is neutral and non-polar, with leucine, which is neutral and non-polar, at codon 147 of the ZMIZ1 protein (p.Pro147Leu). This variant has not been reported in the literature in individuals affected with ZMIZ1-related conditions. ClinVar contains an entry for this variant (Variation ID: 992771). Advanced modeling of protein sequence and biophysical properties (such as structural, functional, and spatial information, amino acid conservation, physicochemical variation, residue mobility, and thermodynamic stability) performed at Invitae indicates that this missense variant is not expected to disrupt ZMIZ1 protein function. In summary, the available evidence is currently insufficient to determine the role of this variant in disease. Therefore, it has been classified as a Variant of Uncertain Significance.

New York Genome Center
Classification: Uncertain significance for Neurodevelopmental disorder with dysmorphic facies and distal skeletal anomalies. Last evaluated: 2019-07-19. Review status: criteria provided, single submitter. Criteria: NYGC Assertion Criteria 2020. Collection method: clinical testing. Allele origin: germline. Observed: 1 heterozygote. Study: CSER-NYCKidSeq.
Comment: The Pro147Leu missense variant in ZMIZ1 has not been reported in affected individuals in the literature. It is absent from the gnomAD and ExAC databases indicating that it is an extremely rare allele in the populations represented in that database. This variant affects evolutionary conserved residues and In Silico prediction tools show conflicting predictions about its pathogenicity. Based on the current evidence, the Pro147Leu variant in the ZMIZ1 gene is assessed as a variant of uncertain significance.